The following is an entry in ClinVar:

NM_021625.5(TRPV4):c.161C>G (p.Ala54Gly)

Gene: TRPV4 (transient receptor potential cation channel subfamily V member 4; minus strand). Cytogenetic location: 12q24.11.
Variant type: single nucleotide variant.
Coding change: c.161C>G on transcript NM_021625.5 (MANE Select); coding-DNA position 161, C replaced by G.
Protein change: p.Ala54Gly; replaces alanine 54 with glycine.
Molecular consequence: missense variant. On other transcripts: intron variant (1).
Genome position (GRCh38, 1-based): chr12:109,814,636, G>C on the plus strand (C>G on the coding strand, the complement: TRPV4 is on the minus strand). VCF-style: chr12-109814636-G-C. GRCh37 (hg19) VCF-style: chr12-110252441-G-C.
Other names: c.161C>G, p.Ala54Gly (NM_001177428.2, NM_001177433.2, NM_147204.3); c.80-21C>G (NM_001177431.1); short protein forms A54G.
Identifiers: ClinVar variation 1063641 (VCV001063641.9), dbSNP rs753813565, ClinGen allele CA6780609.

ClinVar aggregate classification (germline): Uncertain significance (1 of 4 stars; one submission).

Conditions:
Charcot-Marie-Tooth disease axonal type 2C (HMSN2C). Also called: Charcot-Marie-Tooth Disease Type 2, TRPV4-Related (CMT2C); CHARCOT-MARIE-TOOTH DISEASE, AXONAL, AUTOSOMAL DOMINANT, TYPE 2C; Charcot-Marie-Tooth Neuropathy Type 2C. Identifiers: Orphanet 99937, MedGen C1853710, MONDO:0011633, OMIM 606071.

Allele frequency attached by ClinVar (database versions not stated): TOPMed 0.00001.
gnomAD v4.1: 4 of 1,613,846 alleles (0.00025%); highest among the groups gnomAD compares: South Asian, 0.0011%; no homozygotes.

Submission:

Labcorp Genetics (formerly Invitae), Labcorp
Classification: Uncertain significance for Charcot-Marie-Tooth disease axonal type 2C. Last evaluated: 2025-05-19. Review status: criteria provided, single submitter. Criteria: Invitae Variant Classification Sherloc (09022015). Collection method: clinical testing. Allele origin: germline.
Comment: This sequence change replaces alanine, which is neutral and non-polar, with glycine, which is neutral and non-polar, at codon 54 of the TRPV4 protein (p.Ala54Gly). This variant is present in population databases (rs753813565, gnomAD 0.003%). This variant has not been reported in the literature in individuals affected with TRPV4-related conditions. ClinVar contains an entry for this variant (Variation ID: 1063641). Invitae Evidence Modeling of protein sequence and biophysical properties (such as structural, functional, and spatial information, amino acid conservation, physicochemical variation, residue mobility, and thermodynamic stability) indicates that this missense variant is not expected to disrupt TRPV4 protein function with a negative predictive value of 95%. In summary, the available evidence is currently insufficient to determine the role of this variant in disease. Therefore, it has been classified as a Variant of Uncertain Significance.